The following is an entry in ClinVar:

NM_000443.4(ABCB4):c.342T>C (p.Thr114=)

Gene: ABCB4 (ATP binding cassette subfamily B member 4; minus strand). Cytogenetic location: 7q21.12.
Variant type: single nucleotide variant.
Coding change: c.342T>C on transcript NM_000443.4 (MANE Select); coding-DNA position 342, T replaced by C.
Protein change: p.Thr114=; no amino-acid change (threonine 114 retained).
Molecular consequence: synonymous variant.
Genome position (GRCh38, 1-based): chr7:87,454,537, A>G on the plus strand (T>C on the coding strand, the complement: ABCB4 is on the minus strand). VCF-style: chr7-87454537-A-G. GRCh37 (hg19) VCF-style: chr7-87083853-A-G.
Other names: c.342T>C, p.Thr114= (NM_018849.3, NM_018850.3).
Identifiers: ClinVar variation 2694177 (VCV002694177.4), dbSNP rs952509584, ClinGen allele CA456354465.
Genomic context (GRCh38, chr7:87,454,537, plus strand): 5'-TAATTGGAAATTATCTTCAAATGAAACTTTAAAAAAGTAGACCATATATATGAGTTACCT[A>G]GTCATTTCTTCTTCCAGAATTTTGCCTGGATTTAGCAGCGACAAGGAAAAGTTCACTAAA-3'
Protein context (NP_000434.1, residues 104-124): NPGKILEEEM[Thr114=]RYAYYYSGLG

ClinVar aggregate classification (germline): Likely benign. Review status: criteria provided, multiple submitters, no conflicts (2 of 4 stars). 2 submissions from 2 submitters: Likely benign (2). Last evaluated 2026-04-14.

Conditions:
Familial intrahepatic cholestasis. Identifiers: Orphanet 284385, MedGen CN296401, MONDO:0017290.
Low phospholipid associated cholelithiasis (GBD1). Also called: Gallbladder disease 1; Gallstone cholecystitis. Identifiers: Orphanet 69663, MedGen C2609268, MONDO:0010939, OMIM 600803.

Submissions (2):

Genomenon, Inc
Classification: Likely benign for Familial intrahepatic cholestasis; Low phospholipid associated cholelithiasis. Last evaluated: 2026-04-14. Review status: criteria provided, single submitter. Criteria: Genomenon Sequence Variant Interpretation Standards - Updated. Collection method: curation. Allele origin: germline. Affected: no.
Comment: ABCB4 c.342T>C is a synonymous variant that retains Threonine at residue 114. This variant has been reported in the published literature (PMID:12891548). It is absent or not present at a significant frequency in gnomAD. This synonymous variant is not predicted to impact splicing. In conclusion, we classify ABCB4 p.Thr114= (c.342T>C) as a likely benign variant.

Labcorp Genetics (formerly Invitae), Labcorp
Classification: Likely benign. Last evaluated: 2023-11-07. Review status: criteria provided, single submitter. Criteria: Invitae Variant Classification Sherloc (09022015). Collection method: clinical testing. Allele origin: germline.

Literature cited by the submitters: PubMed 12891548 (cited by Genomenon, Inc).